The following is an entry in ClinVar:

NM_004044.7(ATIC):c.1728C>T (p.Asp576=)

Gene: ATIC (5-aminoimidazole-4-carboxamide ribonucleotide formyltransferase/IMP cyclohydrolase; plus strand). Cytogenetic location: 2q35.
Variant type: single nucleotide variant.
Coding change: c.1728C>T on transcript NM_004044.7 (MANE Select); coding-DNA position 1728, C replaced by T.
Protein change: p.Asp576=; no amino-acid change (aspartic acid 576 retained).
Molecular consequence: synonymous variant.
Genome position (GRCh38, 1-based): chr2:215,349,604, C>T. VCF-style: chr2-215349604-C-T. GRCh37 (hg19) VCF-style: chr2-216214327-C-T.
Identifiers: ClinVar variation 5041449 (VCV005041449.1).

ClinVar aggregate classification (germline): Likely benign (1 of 4 stars; one submission).

gnomAD v4.1: 8 of 1,614,198 alleles (0.0005%); highest among the groups gnomAD compares: Admixed American, 0.0017%; no homozygotes.

Submission:

CeGaT Center for Human Genetics Tuebingen
Classification: Likely benign. Last evaluated: 2026-09-01. Review status: criteria provided, single submitter. Criteria: CeGaT Center For Human Genetics Tuebingen Variant Classification Criteria Version 2. Collection method: clinical testing. Allele origin: germline. Affected: yes. Observed: 1 variant allele.
Comment: ATIC: BP4, BP7